The following is an entry in ClinVar:

NM_004415.4(DSP):c.2920del (p.Thr974fs)

Gene: DSP (desmoplakin; plus strand). Cytogenetic location: 6p24.3.
Variant type: Deletion.
Coding change: c.2920del on transcript NM_004415.4 (MANE Select); coding-DNA position 2920, one base deleted (A; older notation c.2920delA).
Protein change: p.Thr974fs; shifts the reading frame from threonine 974.
Molecular consequence: frameshift variant.
Genome position (GRCh38, 1-based): chr6:7,577,821, A deleted; the last of 3 consecutive A bases (chr6:7,577,819-7,577,821); deleting any one gives the same sequence. VCF-style (leftmost placement, unchanged base first): chr6-7577818-GA-G. GRCh37 (hg19) VCF-style: chr6-7578051-GA-G.
Other names: c.2920del (LRG_423t1); c.2920del, p.Thr974fs (NM_001008844.3, NM_001319034.2); short protein forms T974fs.
Identifiers: ClinVar variation 179980 (VCV000179980.4), dbSNP rs727505260, ClinGen allele CA005678.
Genomic context (GRCh38, chr6:7,577,818, plus strand): 5'-TTAAACTTCATTATGCTGCAGGATTATGAGCTCCAGCTGGCCTCATACACCTCAGGACTG[GA>G]AACTCTGCTGAACATACCTATCAAGAGGACCATGATTCAGTCCCCTTCTGGGGTGATTCT-3'

ClinVar aggregate classification (germline): Likely pathogenic (1 of 4 stars; one submission).

Conditions:
Arrhythmogenic right ventricular cardiomyopathy (ARVD). Also called: Arrhythmogenic cardiomyopathy; Arrhythmogenic Right Ventricular Cardiomyopathy (ARVC); Cardiomyopathy, ARVC; Arrhythmogenic right ventricular dysplasia. Identifiers: Orphanet 247, MedGen C0349788, MeSH D019571, MONDO:0016587. Disease mechanism: loss of function. Inheritance: Various modes of inheritance.

Submission:

Laboratory for Molecular Medicine, Mass General Brigham Personalized Medicine
Classification: Likely pathogenic for Arrhythmogenic right ventricular cardiomyopathy. Last evaluated: 2014-08-22. Review status: criteria provided, single submitter. Criteria: LMM Criteria. Collection method: clinical testing. Allele origin: germline. Inheritance: Autosomal dominant inheritance. Observed: 1 variant allele.
Comment: The Thr974fs variant in DSP has not been previously reported in individuals with cardiomyopathy. Data from large population studies is insufficient to assess th e frequency of this variant. This variant is predicted to cause a frameshift, wh ich alters the protein?s amino acid sequence beginning at position 974 and lead to a premature termination codon 3 amino acids downstream. This alteration is th en predicted to lead to a truncated or absent protein. Frameshift and nonsense v ariants in DSP have been reported in patients with ARVC (o/), but recent evidence supports that they can also cause DCM (Pugh 2014). In s ummary, although additional studies are required to fully establish its clinical significance, the Thr974fs variant is likely pathogenic.